The following is an entry in ClinVar:

NM_001378615.1(CC2D2A):c.2061G>A (p.Leu687=)

Genes: CC2D2A (coiled-coil and C2 domain containing 2A; plus strand), FBXL5 (F-box and leucine rich repeat protein 5; minus strand). Cytogenetic location: 4p15.32.
Variant type: single nucleotide variant.
Coding change: c.2061G>A on transcript NM_001378615.1 (MANE Select); coding-DNA position 2061, G replaced by A.
Protein change: p.Leu687=; no amino-acid change (leucine 687 retained).
Molecular consequence: synonymous variant.
Genome position (GRCh38, 1-based): chr4:15,540,894, G>A. VCF-style: chr4-15540894-G-A. GRCh37 (hg19) VCF-style: chr4-15542517-G-A.
Other names: c.2061G>A, p.Leu687= (NM_001080522.2); c.1914G>A, p.Leu638= (NM_001378617.1).
Identifiers: ClinVar variation 501345 (VCV000501345.9), dbSNP rs182372139, ClinGen allele CA2863840.

ClinVar aggregate classification (germline): Conflicting classifications of pathogenicity. Review status: criteria provided, conflicting classifications (1 of 4 stars). 3 submissions from 3 submitters: Uncertain significance (1); Likely benign (2). Last evaluated 2025-12-30.

Conditions:
CC2D2A-related disorder. Also called: CC2D2A-related condition; CC2D2A-related disorders. Identifiers: MedGen CN239313.
Meckel-Gruber syndrome. Also called: Dysencephalia splachnocystica; DYSENCEPHALIA SPLANCHNOCYSTICA; GRUBER SYNDROME. Identifiers: Orphanet 564, MedGen C0265215, MONDO:0018921.
Joubert syndrome. Also called: JOUBERT-BOLTSHAUSER SYNDROME; Familial aplasia of the vermis. Identifiers: Orphanet 475, MedGen C5979921, MONDO:0018772.

Allele frequency attached by ClinVar (database versions not stated): gnomAD 0.00001 and 0.00003; gnomAD exomes 0.00002; ExAC 0.00007; 1000 Genomes Project 30x 0.00047; 1000 Genomes Project 0.00060.
gnomAD v4.1: 15 of 1,593,706 alleles (0.00094%); highest among the groups gnomAD compares: Admixed American, 0.023%; no homozygotes.

Submissions (3):

PreventionGenetics, part of Exact Sciences
Classification: Likely benign for CC2D2A-related condition. Last evaluated: 2025-12-30. Review status: criteria provided, single submitter. Criteria: ACMG Guidelines, 2015. Collection method: clinical testing. Allele origin: germline.
Comment: This variant is classified as likely benign based on ACMG/AMP sequence variant interpretation guidelines (Richards et al. 2015 PMID: 25741868, with internal and published modifications).

Labcorp Genetics (formerly Invitae), Labcorp
Classification: Likely benign for Joubert syndrome; Meckel-Gruber syndrome. Last evaluated: 2024-03-07. Review status: criteria provided, single submitter. Criteria: Invitae Variant Classification Sherloc (09022015). Collection method: clinical testing. Allele origin: germline.

Eurofins Ntd Llc (ga)
Classification: Uncertain significance. Last evaluated: 2017-04-10. Review status: criteria provided, single submitter. Criteria: EGL Classification Definitions 2015. Collection method: clinical testing. Allele origin: germline. Observed: 1 variant allele, 1 heterozygote.